The following is an entry in ClinVar:

NC_000012.11:g.(?_57881874)_(58190366_?)dup

Genes: AGAP2 (ArfGAP with GTPase domain, ankyrin repeat and PH domain 2; minus strand), ARHGEF25 (Rho guanine nucleotide exchange factor 25; plus strand), B4GALNT1 (beta-1,4-N-acetyl-galactosaminyltransferase 1; minus strand), CDK4 (cyclin dependent kinase 4; minus strand), CYP27B1 (cytochrome P450 family 27 subfamily B member 1; minus strand) and 14 more. Cytogenetic location: 12q13.3-14.1.
Variant type: Duplication.
Identifiers: ClinVar variation 1410313 (VCV001410313.4).

ClinVar aggregate classification (germline): Uncertain significance (1 of 4 stars; one submission).

Submission:

Labcorp Genetics (formerly Invitae), Labcorp
Classification: Uncertain significance. Last evaluated: 2021-12-08. Review status: criteria provided, single submitter. Criteria: Invitae Variant Classification Sherloc (09022015). Collection method: clinical testing. Allele origin: germline.
Comment: A copy number gain of the genomic region encompassing the full coding sequence of the TSFM gene has been identified. The boundaries of this event are unknown as they extend beyond the assayed region for this gene and therefore may encompass additional genes. As the precise location of this event is unknown, it may be in tandem or it may be located elsewhere in the genome. This variant has not been reported in the literature in individuals affected with TSFM-related conditions. In summary, the available evidence is currently insufficient to determine the role of this variant in disease. Therefore, it has been classified as a Variant of Uncertain Significance.